The following is an entry in ClinVar:

ClinVar aggregate classification (germline): Uncertain significance (1 of 4 stars; one submission).

Conditions:
Severe combined immunodeficiency due to DNA-PKcs deficiency. Also called: IMMUNODEFICIENCY 26 WITH NEUROLOGIC ABNORMALITIES; Immunodeficiency 26 with or without neurologic abnormalities. Identifiers: Orphanet 317425, MedGen C4014833, MONDO:0014423, OMIM 615966.

Allele frequency attached by ClinVar (database versions not stated): gnomAD exomes below 0.00001.
gnomAD v4.1: 2 of 1,612,914 alleles (0.00012%); highest among the groups gnomAD compares: Non-Finnish European, 0.00017%; no homozygotes.

Submission:

Labcorp Genetics (formerly Invitae), Labcorp
Classification: Uncertain significance for Severe combined immunodeficiency due to DNA-PKcs deficiency. Last evaluated: 2024-10-16. Review status: criteria provided, single submitter. Criteria: Invitae Variant Classification Sherloc (09022015). Collection method: clinical testing. Allele origin: germline.
Comment: This sequence change replaces tyrosine, which is neutral and polar, with histidine, which is basic and polar, at codon 1873 of the PRKDC protein (p.Tyr1873His). This variant is not present in population databases (gnomAD no frequency). This variant has not been reported in the literature in individuals affected with PRKDC-related conditions. ClinVar contains an entry for this variant (Variation ID: 1986940). Invitae Evidence Modeling of protein sequence and biophysical properties (such as structural, functional, and spatial information, amino acid conservation, physicochemical variation, residue mobility, and thermodynamic stability) indicates that this missense variant is expected to disrupt PRKDC protein function with a positive predictive value of 80%. In summary, the available evidence is currently insufficient to determine the role of this variant in disease. Therefore, it has been classified as a Variant of Uncertain Significance.

NM_006904.7(PRKDC):c.5617T>C (p.Tyr1873His)

Gene: PRKDC (protein kinase, DNA-activated, catalytic subunit; minus strand). Cytogenetic location: 8q11.21.
Variant type: single nucleotide variant.
Coding change: c.5617T>C on transcript NM_006904.7 (MANE Select); coding-DNA position 5617, T replaced by C.
Protein change: p.Tyr1873His; replaces tyrosine 1873 with histidine.
Molecular consequence: missense variant.
Genome position (GRCh38, 1-based): chr8:47,863,532, A>G on the plus strand (T>C on the coding strand, the complement: PRKDC is on the minus strand). VCF-style: chr8-47863532-A-G. GRCh37 (hg19) VCF-style: chr8-48776093-A-G.
Other names: c.5617T>C, p.Tyr1873His (NM_001081640.2); short protein forms Y1873H.
Identifiers: ClinVar variation 1986940 (VCV001986940.4), dbSNP rs2551870854, ClinGen allele CA371163156.